The following is an entry in ClinVar:

NM_014915.3(ANKRD26):c.3013G>A (p.Glu1005Lys)

Gene: ANKRD26 (ankyrin repeat domain containing 26; minus strand). Cytogenetic location: 10p12.1.
Variant type: single nucleotide variant.
Coding change: c.3013G>A on transcript NM_014915.3 (MANE Select); coding-DNA position 3013, G replaced by A.
Protein change: p.Glu1005Lys; replaces glutamic acid 1005 with lysine.
Molecular consequence: missense variant.
Genome position (GRCh38, 1-based): chr10:27,035,437, C>T on the plus strand (G>A on the coding strand, the complement: ANKRD26 is on the minus strand). VCF-style: chr10-27035437-C-T. GRCh37 (hg19) VCF-style: chr10-27324366-C-T.
Other names: c.3010G>A, p.Glu1004Lys (NM_001256053.2); short protein forms E1004K, E1005K.
Identifiers: ClinVar variation 3867917 (VCV003867917.1).

ClinVar aggregate classification (germline): Uncertain significance (1 of 4 stars; one submission).

Conditions:
Inborn genetic diseases. Identifiers: MedGen C0950123, MeSH D030342.

Submission:

Ambry Genetics
Classification: Uncertain significance for Inborn genetic diseases. Last evaluated: 2025-01-24. Review status: criteria provided, single submitter. Criteria: Ambry Variant Classification Scheme 2023. Collection method: clinical testing. Allele origin: germline.
Comment: The p.E1005K variant (also known as c.3013G>A), located in coding exon 24 of the ANKRD26 gene, results from a G to A substitution at nucleotide position 3013. The glutamic acid at codon 1005 is replaced by lysine, an amino acid with similar properties. This amino acid position is conserved. In addition, this alteration is predicted to be tolerated by in silico analysis. Based on the available evidence, the clinical significance of this variant remains unclear.